The following is an entry in ClinVar:

ClinVar aggregate classification (germline): Likely benign (0 of 4 stars; one submission).

Conditions:
KDM5B-related disorder. Also called: KDM5B-related condition.

Allele frequency attached by ClinVar (database versions not stated): gnomAD exomes 0.00001; TOPMed 0.00001; ESP Exome Variant Server 0.00008.
gnomAD v4.1: 15 of 1,559,152 alleles (0.00096%); highest among the groups gnomAD compares: African/African-American, 0.0014%; no homozygotes.

Submission:

PreventionGenetics, part of Exact Sciences
Classification: Likely benign for KDM5B-related condition. Last evaluated: 2019-04-29. Review status: no assertion criteria provided. Collection method: clinical testing. Allele origin: germline.
Comment: This variant is classified as likely benign based on ACMG/AMP sequence variant interpretation guidelines (Richards et al. 2015 PMID: 25741868, with internal and published modifications).

NM_006618.5(KDM5B):c.2916C>T (p.Asp972=)

Gene: KDM5B (lysine demethylase 5B; minus strand). Cytogenetic location: 1q32.1.
Variant type: single nucleotide variant.
Coding change: c.2916C>T on transcript NM_006618.5 (MANE Select); coding-DNA position 2916, C replaced by T.
Protein change: p.Asp972=; no amino-acid change (aspartic acid 972 retained).
Molecular consequence: synonymous variant.
Genome position (GRCh38, 1-based): chr1:202,741,396, G>A on the plus strand (C>T on the coding strand, the complement: KDM5B is on the minus strand). VCF-style: chr1-202741396-G-A. GRCh37 (hg19) VCF-style: chr1-202710524-G-A.
Other names: c.3024C>T, p.Asp1008= (NM_001314042.2); c.2781C>T, p.Asp927= (NM_001347591.2); c.2901C>T, p.Asp967= (NM_001399817.1).
Identifiers: ClinVar variation 3060630 (VCV003060630.2), dbSNP rs147479851, ClinGen allele CA35578116.